The following is an entry in ClinVar:

ClinVar aggregate classification (germline): Likely benign (1 of 4 stars; one submission).

gnomAD v4.1: 874 of 1,604,278 alleles (0.054%); highest among the groups gnomAD compares: African/African-American, 0.99%; 7 homozygotes.

Submission:

CeGaT Center for Human Genetics Tuebingen
Classification: Likely benign. Last evaluated: 2025-01-01. Review status: criteria provided, single submitter. Criteria: CeGaT Center For Human Genetics Tuebingen Variant Classification Criteria Version 2. Collection method: clinical testing. Allele origin: germline. Affected: yes. Observed: 1 variant allele.
Comment: MUC5B: BP4, BP7, BS1

NM_002458.3(MUC5B):c.11175G>A (p.Pro3725=)

Genes: MUC5B (mucin 5B, oligomeric mucus/gel-forming; plus strand), MUC5B-AS1 (MUC5B antisense RNA 1; minus strand). Cytogenetic location: 11p15.5.
Variant type: single nucleotide variant.
Coding change: c.11175G>A on transcript NM_002458.3 (MANE Select); coding-DNA position 11175, G replaced by A.
Protein change: p.Pro3725=; no amino-acid change (proline 3725 retained).
Molecular consequence: synonymous variant.
Genome position (GRCh38, 1-based): chr11:1,248,055, G>A. VCF-style: chr11-1248055-G-A. GRCh37 (hg19) VCF-style: chr11-1269285-G-A.
Identifiers: ClinVar variation 3770815 (VCV003770815.13).
Genomic context (GRCh38, chr11:1,248,055, plus strand): 5'-CACTGGATCCACGGCCACCCCGTCCTCCACCCCAGGGACCACCTGGATCCTCACAGAGCC[G>A]AGCACTACAGCCACCGTGACGGTGCCCACCGGATCCACGGCCACCGCCTCCTCCACCCAG-3'
Protein context (NP_002449.2, residues 3715-3735): TPGTTWILTE[Pro3725=]STTATVTVPT